The following is an entry in ClinVar:

NM_000455.5(STK11):c.61G>C (p.Gly21Arg)

Gene: STK11 (serine/threonine kinase 11; plus strand). Cytogenetic location: 19p13.3.
Variant type: single nucleotide variant.
Coding change: c.61G>C on transcript NM_000455.5 (MANE Select); coding-DNA position 61, G replaced by C.
Protein change: p.Gly21Arg; replaces glycine 21 with arginine.
Molecular consequence: missense variant. On other transcripts: non-coding transcript variant (1).
Genome position (GRCh38, 1-based): chr19:1,206,974, G>C. VCF-style: chr19-1206974-G-C. GRCh37 (hg19) VCF-style: chr19-1206973-G-C.
Other names: c.61G>C, p.Gly21Arg (NM_001407255.1); short protein forms G21R.
Identifiers: ClinVar variation 3720409 (VCV003720409.3).

ClinVar aggregate classification (germline): Uncertain significance. Review status: criteria provided, multiple submitters, no conflicts (2 of 4 stars). 2 submissions from 2 submitters: Uncertain significance (2). Last evaluated 2026-04-11.

Conditions:
Hereditary cancer-predisposing syndrome. Also called: Hereditary Cancer Syndrome; Hereditary neoplastic syndrome; Neoplastic Syndromes, Hereditary; Tumor predisposition. Identifiers: Orphanet 140162, MedGen C0027672, MeSH D009386, MONDO:0015356.
Peutz-Jeghers syndrome (PJS). Also called: POLYPOSIS, HAMARTOMATOUS INTESTINAL; POLYPS-AND-SPOTS SYNDROME; Peutz-Jeghers polyposis; Periorificial lentiginosis syndrome. Identifiers: Orphanet 2869, MedGen C0031269, MeSH D010580, MONDO:0008280, OMIM 175200.

Submissions (2):

Ambry Genetics
Classification: Uncertain significance for Hereditary cancer-predisposing syndrome. Last evaluated: 2026-04-11. Review status: criteria provided, single submitter. Criteria: Ambry Variant Classification Scheme 2023. Collection method: clinical testing. Allele origin: germline.
Comment: The p.G21R variant (also known as c.61G>C), located in coding exon 1 of the STK11 gene, results from a G to C substitution at nucleotide position 61. The glycine at codon 21 is replaced by arginine, an amino acid with dissimilar properties. This amino acid position is conserved. In addition, the in silico prediction for this alteration is inconclusive. Based on the available evidence, the clinical significance of this variant remains unclear.

Labcorp Genetics (formerly Invitae), Labcorp
Classification: Uncertain significance for Peutz-Jeghers syndrome. Last evaluated: 2024-12-18. Review status: criteria provided, single submitter. Criteria: Invitae Variant Classification Sherloc (09022015). Collection method: clinical testing. Allele origin: germline.
Comment: This sequence change replaces glycine, which is neutral and non-polar, with arginine, which is basic and polar, at codon 21 of the STK11 protein (p.Gly21Arg). This variant is not present in population databases (gnomAD no frequency). This variant has not been reported in the literature in individuals affected with STK11-related conditions. Invitae Evidence Modeling of protein sequence and biophysical properties (such as structural, functional, and spatial information, amino acid conservation, physicochemical variation, residue mobility, and thermodynamic stability) has been performed for this missense variant. However, the output from this modeling did not meet the statistical confidence thresholds required to predict the impact of this variant on STK11 protein function. In summary, the available evidence is currently insufficient to determine the role of this variant in disease. Therefore, it has been classified as a Variant of Uncertain Significance.